The following is an entry in ClinVar:

NM_015267.4(CUX2):c.2962C>T (p.Pro988Ser)

Gene: CUX2 (cut like homeobox 2; plus strand). Cytogenetic location: 12q24.12.
Variant type: single nucleotide variant.
Coding change: c.2962C>T on transcript NM_015267.4 (MANE Select); coding-DNA position 2962, C replaced by T.
Protein change: p.Pro988Ser; replaces proline 988 with serine.
Molecular consequence: missense variant.
Genome position (GRCh38, 1-based): chr12:111,334,476, C>T. VCF-style: chr12-111334476-C-T. GRCh37 (hg19) VCF-style: chr12-111772280-C-T.
Other names: c.2776C>T, p.Pro926Ser (NM_001370598.1); c.2962C>T (NM_015267.3); short protein forms P926S, P988S.
Identifiers: ClinVar variation 2643307 (VCV002643307.25), dbSNP rs1259294051, ClinGen allele CA386716327.
Genomic context (GRCh38, chr12:111,334,476, plus strand): 5'-CCTTCTCTTTCTCTGTGGCCCACAGCCAGTCCCACAGAACCAAGGTCCTCACCATCCCCA[C>T]CCCCCAGCCCCACAGAGCCTGAGAAGAGCTCCCAGGAGCCGTTGAGCCTGTCCCTGGAGA-3'
Protein context (NP_056082.2, residues 978-998): PTEPRSSPSP[Pro988Ser]PSPTEPEKSS

ClinVar aggregate classification (germline): Conflicting classifications of pathogenicity. Review status: criteria provided, conflicting classifications (1 of 4 stars). 2 submissions from 2 submitters: Uncertain significance (1); Likely benign (1). Last evaluated 2025-01-16.

Conditions:
Inborn genetic diseases. Identifiers: MedGen C0950123, MeSH D030342.

gnomAD v4.1: 5 of 1,603,796 alleles (0.00031%); highest among the groups gnomAD compares: South Asian, 0.0033%; no homozygotes.

Submissions (2):

Ambry Genetics
Classification: Uncertain significance for Inborn genetic diseases. Last evaluated: 2025-01-16. Review status: criteria provided, single submitter. Criteria: Ambry Variant Classification Scheme 2023. Collection method: clinical testing. Allele origin: germline.

CeGaT Center for Human Genetics Tuebingen
Classification: Likely benign. Last evaluated: 2022-10-01. Review status: criteria provided, single submitter. Criteria: CeGaT Center For Human Genetics Tuebingen Variant Classification Criteria Version 2. Collection method: clinical testing. Allele origin: germline. Affected: yes. Observed: 1 variant allele.
Comment: CUX2: BP4